The following is an entry in ClinVar:

ClinVar aggregate classification (germline): Uncertain significance (1 of 4 stars; one submission).

Submission:

Labcorp Genetics (formerly Invitae), Labcorp
Classification: Uncertain significance. Last evaluated: 2025-10-12. Review status: criteria provided, single submitter. Criteria: Invitae Variant Classification Sherloc (09022015). Collection method: clinical testing. Allele origin: germline.
Comment: This sequence change replaces aspartic acid, which is acidic and polar, with asparagine, which is neutral and polar, at codon 196 of the OAS1 protein (p.Asp196Asn). This variant is not present in population databases (gnomAD no frequency). This variant has not been reported in the literature in individuals affected with OAS1-related conditions. An algorithm developed to predict the effect of missense changes on protein structure and function outputs the following: PolyPhen-2: "Benign". The asparagine amino acid residue is found in multiple mammalian species, which suggests that this missense change does not adversely affect protein function. In summary, the available evidence is currently insufficient to determine the role of this variant in disease. Therefore, it has been classified as a Variant of Uncertain Significance.

NM_016816.4(OAS1):c.586G>A (p.Asp196Asn)

Gene: OAS1 (2'-5'-oligoadenylate synthetase 1; plus strand). Cytogenetic location: 12q24.13.
Variant type: single nucleotide variant.
Coding change: c.586G>A on transcript NM_016816.4 (MANE Select); coding-DNA position 586, G replaced by A.
Protein change: p.Asp196Asn; replaces aspartic acid 196 with asparagine.
Molecular consequence: missense variant. On other transcripts: non-coding transcript variant (9), intron variant (4).
Genome position (GRCh38, 1-based): chr12:112,911,167, G>A. VCF-style: chr12-112911167-G-A. GRCh37 (hg19) VCF-style: chr12-113348972-G-A.
Other names: c.586G>A, p.Asp196Asn (NM_001032409.3, NM_001320151.2, NM_001406022.1 and 1 more transcripts); c.539G>A, p.Arg180Lys (NM_001406020.1, NM_001406021.1, NM_001406023.1 and 2 more transcripts); c.180+3948G>A (NM_001406030.1, NM_001406029.1, NM_001406027.1 and 1 more transcripts); short protein forms R180K, D196N.
Identifiers: ClinVar variation 4729068 (VCV004729068.1).